The following is an entry in ClinVar:

NM_001378452.1(ITPR1):c.3362A>C (p.Asn1121Thr)

Gene: ITPR1 (inositol 1,4,5-trisphosphate receptor type 1; plus strand). Cytogenetic location: 3p26.1.
Variant type: single nucleotide variant.
Coding change: c.3362A>C on transcript NM_001378452.1 (MANE Select); coding-DNA position 3362, A replaced by C.
Protein change: p.Asn1121Thr; replaces asparagine 1121 with threonine.
Molecular consequence: missense variant.
Genome position (GRCh38, 1-based): chr3:4,683,662, A>C. VCF-style: chr3-4683662-A-C. GRCh37 (hg19) VCF-style: chr3-4725346-A-C.
Other names: c.3335A>C, p.Asn1112Thr (NM_001099952.4); c.3317A>C, p.Asn1106Thr (NM_001168272.2); c.3290A>C, p.Asn1097Thr (NM_002222.7); short protein forms N1112T, N1097T, N1106T, N1121T.
Identifiers: ClinVar variation 2711309 (VCV002711309.3), dbSNP rs998092306, ClinGen allele CA351650950.

ClinVar aggregate classification (germline): Uncertain significance (1 of 4 stars; one submission).

gnomAD v4.1: 1 of 1,614,082 alleles (0.000062%); highest among the groups gnomAD compares: Non-Finnish European, 0.000085%; no homozygotes.

Submission:

Labcorp Genetics (formerly Invitae), Labcorp
Classification: Uncertain significance. Last evaluated: 2024-12-16. Review status: criteria provided, single submitter. Criteria: Invitae Variant Classification Sherloc (09022015). Collection method: clinical testing. Allele origin: germline.
Comment: This sequence change replaces asparagine, which is neutral and polar, with threonine, which is neutral and polar, at codon 1097 of the ITPR1 protein (p.Asn1097Thr). This variant is not present in population databases (gnomAD no frequency). This variant has not been reported in the literature in individuals affected with ITPR1-related conditions. ClinVar contains an entry for this variant (Variation ID: 2711309). Invitae Evidence Modeling of protein sequence and biophysical properties (such as structural, functional, and spatial information, amino acid conservation, physicochemical variation, residue mobility, and thermodynamic stability) has been performed for this missense variant. However, the output from this modeling did not meet the statistical confidence thresholds required to predict the impact of this variant on ITPR1 protein function. In summary, the available evidence is currently insufficient to determine the role of this variant in disease. Therefore, it has been classified as a Variant of Uncertain Significance.